The following is an entry in ClinVar:

NM_018368.4(LMBRD1):c.562+4_562+7del

Gene: LMBRD1 (LMBR1 domain containing 1; minus strand). Cytogenetic location: 6q13.
Variant type: Deletion.
Coding change: c.562+4_562+7del on transcript NM_018368.4 (MANE Select); bases 4 to 7 of the intron after coding-DNA position 562, 4 bases deleted (AGTA; older notation c.562+4_562+7delAGTA).
Molecular consequence: splice donor variant.
Genome position (GRCh38, 1-based): chr6:69,741,782-69,741,785, TACT deleted on the plus strand (AGTA on the coding strand, the reverse complement: LMBRD1 is on the minus strand); deleting any 4 consecutive bases within chr6:69,741,782-69,741,788 gives the same sequence; the c. name uses the placement nearest the transcript's 3' end. VCF-style (leftmost placement, unchanged base first): chr6-69741781-ATACT-A. GRCh37 (hg19) VCF-style: chr6-70451673-ATACT-A.
Other names: c.343+4_343+7del (NM_001367272.1, NM_001367271.1, NM_001363722.2).
Identifiers: ClinVar variation 2572168 (VCV002572168.3), dbSNP rs1767108423, ClinGen allele CA1090251471.
Genomic context (GRCh38, chr6:69,741,781, plus strand): 5'-TGCTTCTCAAAAGTCCAAAGTATCAGGAAATATAAACTACTATGTTTTTTAAAAAAAACA[ATACT>A]TACGACTACTTCCAAGTTCTTCAAATAGGGACTTCACTTTTTCCCACTCTGTAGAATTTT-3'

ClinVar aggregate classification (germline): Likely pathogenic (1 of 4 stars; one submission).

Conditions:
Methylmalonic aciduria and homocystinuria type cblF. Also called: COBALAMIN F DISEASE; COBALAMIN, DEFECT IN LYSOSOMAL RELEASE OF; METHYLMALONIC ACIDEMIA AND HOMOCYSTINURIA, cblF TYPE; METHYLMALONIC ACIDURIA DUE TO VITAMIN B12-RELEASE DEFECT; VITAMIN B12 LYSOSOMAL RELEASE DEFECT; VITAMIN B12 STORAGE DISEASE. Identifiers: Orphanet 79284, MedGen C1848578, MONDO:0010183, OMIM 277380.

Submission:

Dept. of Cytogenetics, ICMR- National Institute of Immunohaematology
Classification: Likely pathogenic for Methylmalonic aciduria and homocystinuria type cblF. Last evaluated: 2023-04-25. Review status: criteria provided, single submitter. Criteria: ACMG Guidelines, 2015. Collection method: clinical testing. Allele origin: biparental. Inheritance: Autosomal recessive inheritance. Affected: yes. Observed: 1 variant allele.
Comment: The LMBRD1 variant is classified as likely pathogenic with experimental evidence of exon 6 skipping due to the 4 nucleotide deletion in splice region, and computational modelling evidence showing disrupted LMBD1 protein structure which may affect the function and its binding affinity with ABCD4 protein. This variant has been associated with several clinical phenotypes, including developmental delay, testicular atrophy, accentuated palmar crease, reticulated dyschromia in the thoracic region, severe nail dystrophy, hyperpigmentation, angular cheilitis, aphthous ulcers, and mucosal lichen planus.

Pathogenic variant, showing multiple phenotypes overlapping with other clinical/ hematological conditions